The following is an entry in ClinVar:

ClinVar aggregate classification (germline): Pathogenic (1 of 4 stars; one submission).

Conditions:
3-methylcrotonyl-CoA carboxylase 1 deficiency (MCC1D). Also called: MCCD TYPE 1; METHYLCROTONYLGLYCINURIA TYPE I; MCC 1 deficiency; 3 Alpha methylcrotonylglycinuria 1. Identifiers: Orphanet 6, MedGen CN028786, MONDO:0008861, OMIM 210200.

Submission:

Labcorp Genetics (formerly Invitae), Labcorp
Classification: Pathogenic for 3-methylcrotonyl-CoA carboxylase 1 deficiency. Last evaluated: 2025-09-22. Review status: criteria provided, single submitter. Criteria: Invitae Variant Classification Sherloc (09022015). Collection method: clinical testing. Allele origin: germline.
Comment: This sequence change creates a premature translational stop signal (p.Ala243Valfs*3) in the MCCC1 gene. It is expected to result in an absent or disrupted protein product. Loss-of-function variants in MCCC1 are known to be pathogenic (PMID: 11181649, 15359379, 22642865). This variant is not present in population databases (gnomAD no frequency). This premature translational stop signal has been observed in individual(s) with 3-methylcrotonyl-CoA carboxylase (3MCC) deficiency (PMID: 32778825). For these reasons, this variant has been classified as Pathogenic.

Literature cited by the submitters: PubMed 11181649; PubMed 15359379; PubMed 22642865; PubMed 32778825.

NM_020166.5(MCCC1):c.728del (p.Ala243fs)

Gene: MCCC1 (methylcrotonyl-CoA carboxylase subunit 1; minus strand). Cytogenetic location: 3q27.1.
Variant type: Deletion.
Coding change: c.728del on transcript NM_020166.5 (MANE Select); coding-DNA position 728, one base deleted (C; older notation c.728delC).
Protein change: p.Ala243fs; shifts the reading frame from alanine 243.
Molecular consequence: frameshift variant. On other transcripts: non-coding transcript variant (2).
Genome position (GRCh38, 1-based): chr3:183,071,032, G deleted on the plus strand (C on the coding strand, the reverse complement: MCCC1 is on the minus strand). VCF-style (leftmost placement, unchanged base first): chr3-183071031-AG-A. GRCh37 (hg19) VCF-style: chr3-182788819-AG-A.
Other names: c.377del, p.Ala126fs (NM_001293273.2); c.401del, p.Ala134fs (NM_001363880.1); short protein forms A134fs, A243fs, A126fs.
Identifiers: ClinVar variation 4763778 (VCV004763778.1).